The following is an entry in ClinVar:

NM_001160372.4(TRAPPC9):c.1856_1857insACCAA (p.Leu620fs)

Gene: TRAPPC9 (trafficking protein particle complex subunit 9; minus strand). Cytogenetic location: 8q24.3.
Variant type: Insertion.
Coding change: c.1856_1857insACCAA on transcript NM_001160372.4 (MANE Select); coding-DNA positions 1856 to 1857, ACCAA inserted.
Protein change: p.Leu620fs; shifts the reading frame from leucine 620.
Molecular consequence: frameshift variant. On other transcripts: non-coding transcript variant (1).
Genome position: GRCh38 VCF-style: chr8-140287732-C-CTTGGT. GRCh37 (hg19) VCF-style: chr8-141297831-C-CTTGGT.
Other names: c.1829_1830insACCAA, p.Leu611fs (NM_001321646.2); c.1877_1878insACCAA, p.Leu627fs (NM_001374682.1); c.1856_1857insACCAA, p.Leu620fs (NM_001374683.1, NM_031466.8); c.1712_1713insACCAA, p.Leu572fs (NM_001374684.1); short protein forms L572fs, L611fs, L627fs, L620fs.
Identifiers: ClinVar variation 2015942 (VCV002015942.4), dbSNP rs2539505509, ClinGen allele CA2580078609.

ClinVar aggregate classification (germline): Pathogenic (1 of 4 stars; one submission).

Submission:

Labcorp Genetics (formerly Invitae), Labcorp
Classification: Pathogenic. Last evaluated: 2022-07-11. Review status: criteria provided, single submitter. Criteria: Invitae Variant Classification Sherloc (09022015). Collection method: clinical testing. Allele origin: germline.
Comment: This sequence change creates a premature translational stop signal (p.Leu718Profs*28) in the TRAPPC9 gene. It is expected to result in an absent or disrupted protein product. Loss-of-function variants in TRAPPC9 are known to be pathogenic (PMID: 2000476, 20004763, 20004764). This variant is not present in population databases (gnomAD no frequency). This variant has not been reported in the literature in individuals affected with TRAPPC9-related conditions. For these reasons, this variant has been classified as Pathogenic.

Literature cited by the submitters: PubMed 2000476; PubMed 20004763; PubMed 20004764.